The following is an entry in ClinVar:

ClinVar aggregate classification (germline): Likely pathogenic (1 of 4 stars; one submission).

Conditions:
Juvenile polyposis syndrome (JPS). Identifiers: Orphanet 2929, MedGen C0345893, MONDO:0017380, OMIM 174900.

Submission:

Labcorp Genetics (formerly Invitae), Labcorp
Classification: Likely pathogenic for Juvenile polyposis syndrome. Last evaluated: 2023-05-20. Review status: criteria provided, single submitter. Criteria: Invitae Variant Classification Sherloc (09022015). Collection method: clinical testing. Allele origin: germline.
Comment: In summary, the currently available evidence indicates that the variant is pathogenic, but additional data are needed to prove that conclusively. Therefore, this variant has been classified as Likely Pathogenic. Algorithms developed to predict the effect of sequence changes on RNA splicing suggest that this variant may disrupt the consensus splice site. This variant has not been reported in the literature in individuals affected with BMPR1A-related conditions. This variant is not present in population databases (gnomAD no frequency). This sequence change affects an acceptor splice site in intron 4 of the BMPR1A gene. It is expected to disrupt RNA splicing. Variants that disrupt the donor or acceptor splice site typically lead to a loss of protein function (PMID: 16199547), and loss-of-function variants in BMPR1A are known to be pathogenic (PMID: 11536076, 12417513).

Literature cited by the submitters: PubMed 16199547; PubMed 11536076; PubMed 12417513.

NM_004329.3(BMPR1A):c.231-2A>G

Gene: BMPR1A (bone morphogenetic protein receptor type 1A; plus strand). Cytogenetic location: 10q23.2.
Variant type: single nucleotide variant.
Coding change: c.231-2A>G on transcript NM_004329.3 (MANE Select); the canonical splice acceptor site of the intron before coding-DNA position 231, A replaced by G.
Molecular consequence: splice acceptor variant.
Genome position (GRCh38, 1-based): chr10:86,892,125, A>G. VCF-style: chr10-86892125-A-G. GRCh37 (hg19) VCF-style: chr10-88651882-A-G.
Other names: c.231-2A>G (NM_001406562.1, NM_001406568.1, NM_001406567.1 and 23 more transcripts); c.147-2A>G (NM_001406584.1, NM_001406588.1, NM_001406587.1 and 2 more transcripts).
Identifiers: ClinVar variation 2866138 (VCV002866138.3), dbSNP rs774357141, ClinGen allele CA377447870.